The following is an entry in ClinVar:

NM_000240.4(MAOA):c.1279G>A (p.Val427Met)

Gene: MAOA (monoamine oxidase A; plus strand). Cytogenetic location: Xp11.3.
Variant type: single nucleotide variant.
Coding change: c.1279G>A on transcript NM_000240.4 (MANE Select); coding-DNA position 1279, G replaced by A.
Protein change: p.Val427Met; replaces valine 427 with methionine.
Molecular consequence: missense variant.
Genome position (GRCh38, 1-based): chrX:43,743,810, G>A. VCF-style: chrX-43743810-G-A. GRCh37 (hg19) VCF-style: chrX-43603057-G-A.
Other names: c.880G>A, p.Val294Met (NM_001270458.2); short protein forms V294M, V427M.
Identifiers: ClinVar variation 2724563 (VCV002724563.4), dbSNP rs1441933667, ClinGen allele CA413010218.

ClinVar aggregate classification (germline): Conflicting classifications of pathogenicity. Review status: criteria provided, conflicting classifications (1 of 4 stars). 2 submissions from 2 submitters: Uncertain significance (1); Likely benign (1). Last evaluated 2024-12-06.

Conditions:
Brunner syndrome (BRNRS). Identifiers: Orphanet 3057, MedGen C0796275, MONDO:0010379, OMIM 300615.

Allele frequency attached by ClinVar (database versions not stated): gnomAD 0.00003; TOPMed 0.00003.
gnomAD v4.1: 38 of 1,168,000 alleles (0.0033%); highest among the groups gnomAD compares: South Asian, 0.0076%; no homozygotes.

Submissions (2):

Labcorp Genetics (formerly Invitae), Labcorp
Classification: Uncertain significance for Brunner syndrome. Last evaluated: 2024-12-06. Review status: criteria provided, single submitter. Criteria: Invitae Variant Classification Sherloc (09022015). Collection method: clinical testing. Allele origin: germline.
Comment: This sequence change replaces valine, which is neutral and non-polar, with methionine, which is neutral and non-polar, at codon 427 of the MAOA protein (p.Val427Met). This variant is present in population databases (no rsID available, gnomAD 0.007%). This variant has not been reported in the literature in individuals affected with MAOA-related conditions. ClinVar contains an entry for this variant (Variation ID: 2724563). Invitae Evidence Modeling of protein sequence and biophysical properties (such as structural, functional, and spatial information, amino acid conservation, physicochemical variation, residue mobility, and thermodynamic stability) indicates that this missense variant is not expected to disrupt MAOA protein function with a negative predictive value of 80%. In summary, the available evidence is currently insufficient to determine the role of this variant in disease. Therefore, it has been classified as a Variant of Uncertain Significance.

Blueprint Genetics
Classification: Likely benign. Last evaluated: 2024-10-22. Review status: criteria provided, single submitter. Criteria: ACMG Guidelines, 2015. Collection method: clinical testing. Allele origin: germline.